The following is an entry in ClinVar:

NM_004655.4(AXIN2):c.353G>A (p.Arg118Lys)

Gene: AXIN2 (axin 2; minus strand). Cytogenetic location: 17q24.1.
Variant type: single nucleotide variant.
Coding change: c.353G>A on transcript NM_004655.4 (MANE Select); coding-DNA position 353, G replaced by A.
Protein change: p.Arg118Lys; replaces arginine 118 with lysine.
Molecular consequence: missense variant.
Genome position (GRCh38, 1-based): chr17:65,558,268, C>T on the plus strand (G>A on the coding strand, the complement: AXIN2 is on the minus strand). VCF-style: chr17-65558268-C-T. GRCh37 (hg19) VCF-style: chr17-63554386-C-T.
Other names: c.353G>A (LRG_296t1); c.353G>A, p.Arg118Lys (NM_001363813.1); short protein forms R118K.
Identifiers: ClinVar variation 665019 (VCV000665019.10), dbSNP rs756996397, ClinGen allele CA8719062.
Genomic context (GRCh38, chr17:65,558,268, plus strand): 5'-TACCTTTTGTAGATCGCTTTGGCTACTCGTAAAGTTTTGGTATCCTTCAGGTTCATCTGC[C>T]TGAATCCATTGCAGGCAAACCAGAAGTCTAAGGTATCCACGCATTTCTCCCTCTCCAGGA-3'
Protein context (NP_004646.3, residues 108-128): LDFWFACNGF[Arg118Lys]QMNLKDTKTL

ClinVar aggregate classification (germline): Uncertain significance. Review status: criteria provided, multiple submitters, no conflicts (2 of 4 stars). 2 submissions from 2 submitters: Uncertain significance (2). Last evaluated 2025-03-15.

Conditions:
Hereditary cancer-predisposing syndrome. Also called: Tumor predisposition; Hereditary neoplastic syndrome; Neoplastic Syndromes, Hereditary; Hereditary Cancer Syndrome. Identifiers: Orphanet 140162, MedGen C0027672, MeSH D009386, MONDO:0015356.
Oligodontia-cancer predisposition syndrome. Also called: TOOTH AGENESIS-COLORECTAL CANCER SYNDROME. Identifiers: Orphanet 300576, MedGen C1837750, MONDO:0012075, OMIM 608615. Disease mechanism: loss of function.

Allele frequency attached by ClinVar (database versions not stated): ExAC 0.00001.

Submissions (2):

Labcorp Genetics (formerly Invitae), Labcorp
Classification: Uncertain significance for Oligodontia-cancer predisposition syndrome. Last evaluated: 2025-03-15. Review status: criteria provided, single submitter. Criteria: Invitae Variant Classification Sherloc (09022015). Collection method: clinical testing. Allele origin: germline.
Comment: This sequence change replaces arginine, which is basic and polar, with lysine, which is basic and polar, at codon 118 of the AXIN2 protein (p.Arg118Lys). This variant is present in population databases (rs756996397, gnomAD 0.0009%). This variant has not been reported in the literature in individuals affected with AXIN2-related conditions. ClinVar contains an entry for this variant (Variation ID: 665019). Invitae Evidence Modeling of protein sequence and biophysical properties (such as structural, functional, and spatial information, amino acid conservation, physicochemical variation, residue mobility, and thermodynamic stability) indicates that this missense variant is not expected to disrupt AXIN2 protein function with a negative predictive value of 80%. In summary, the available evidence is currently insufficient to determine the role of this variant in disease. Therefore, it has been classified as a Variant of Uncertain Significance.

Ambry Genetics
Classification: Uncertain significance for Hereditary cancer-predisposing syndrome. Last evaluated: 2023-08-06. Review status: criteria provided, single submitter. Criteria: Ambry Variant Classification Scheme 2023. Collection method: clinical testing. Allele origin: germline.
Comment: The p.R118K variant (also known as c.353G>A), located in coding exon 1 of the AXIN2 gene, results from a G to A substitution at nucleotide position 353. The arginine at codon 118 is replaced by lysine, an amino acid with highly similar properties. This amino acid position is conserved. In addition, this alteration is predicted to be tolerated by in silico analysis. Since supporting evidence is limited at this time, the clinical significance of this alteration remains unclear.